The following is an entry in ClinVar:

NM_001005242.3(PKP2):c.1729G>A (p.Glu577Lys)

Gene: PKP2 (plakophilin 2; minus strand). Cytogenetic location: 12p11.21.
Variant type: single nucleotide variant.
Coding change: c.1729G>A on transcript NM_001005242.3 (MANE Select); coding-DNA position 1729, G replaced by A.
Protein change: p.Glu577Lys; replaces glutamic acid 577 with lysine.
Molecular consequence: missense variant.
Genome position (GRCh38, 1-based): chr12:32,822,577, C>T on the plus strand (G>A on the coding strand, the complement: PKP2 is on the minus strand). VCF-style: chr12-32822577-C-T. GRCh37 (hg19) VCF-style: chr12-32975511-C-T.
Other names: c.1729G>A, p.Glu577Lys (NM_001407155.1, NM_001407161.1); c.1861G>A, p.Glu621Lys (NM_001407157.1, NM_004572.4); c.1402G>A, p.Glu468Lys (NM_001407158.1, NM_001407159.1, NM_001407160.1 and 1 more transcripts); short protein forms E468K, E577K, E621K.
Identifiers: ClinVar variation 1719877 (VCV001719877.5), dbSNP rs749196250, ClinGen allele CA031154.

ClinVar aggregate classification (germline): Uncertain significance (1 of 4 stars; one submission).

Conditions:
Arrhythmogenic right ventricular dysplasia 9 (ARVD9). Also called: ARRHYTHMOGENIC RIGHT VENTRICULAR DYSPLASIA, FAMILIAL, 9; Arrhythmogenic Right Ventricular Dysplasia/Cardiomyopathy 9. Identifiers: MedGen C1836906, MONDO:0012180, OMIM 609040.

Allele frequency attached by ClinVar (database versions not stated): ExAC 0.00001.

Submission:

Labcorp Genetics (formerly Invitae), Labcorp
Classification: Uncertain significance for Arrhythmogenic right ventricular dysplasia 9. Last evaluated: 2022-10-25. Review status: criteria provided, single submitter. Criteria: Invitae Variant Classification Sherloc (09022015). Collection method: clinical testing. Allele origin: germline.
Comment: In summary, the available evidence is currently insufficient to determine the role of this variant in disease. Therefore, it has been classified as a Variant of Uncertain Significance. Algorithms developed to predict the effect of missense changes on protein structure and function (SIFT, PolyPhen-2, Align-GVGD) all suggest that this variant is likely to be disruptive. This variant has not been reported in the literature in individuals affected with PKP2-related conditions. This variant is present in population databases (rs749196250, gnomAD 0.0009%). This sequence change replaces glutamic acid, which is acidic and polar, with lysine, which is basic and polar, at codon 621 of the PKP2 protein (p.Glu621Lys).